The following is an entry in ClinVar:

NM_002225.5(IVD):c.919C>T (p.His307Tyr)

Gene: IVD (isovaleryl-CoA dehydrogenase; plus strand). Cytogenetic location: 15q15.1.
Variant type: single nucleotide variant.
Coding change: c.919C>T on transcript NM_002225.5 (MANE Select); coding-DNA position 919, C replaced by T.
Protein change: p.His307Tyr; replaces histidine 307 with tyrosine.
Molecular consequence: missense variant. On other transcripts: non-coding transcript variant (1).
Genome position (GRCh38, 1-based): chr15:40,415,441, C>T. VCF-style: chr15-40415441-C-T. GRCh37 (hg19) VCF-style: chr15-40707640-C-T.
Other names: c.829C>T, p.His277Tyr (NM_001159508.3); c.871C>T, p.His291Tyr (NM_001354597.3); c.919C>T, p.His307Tyr (NM_001354598.3, NM_001354601.3); c.1006C>T, p.His336Tyr (NM_001354599.3, NM_001354600.3); short protein forms H336Y, H277Y, H291Y, H307Y.
Identifiers: ClinVar variation 1517833 (VCV001517833.6), dbSNP rs2141355545, ClinGen allele CA391721471.

ClinVar aggregate classification (germline): Uncertain significance (1 of 4 stars; one submission).

Conditions:
Isovaleryl-CoA dehydrogenase deficiency (IVA). Also called: Isovaleric acidemia; Classic Isovaleric Acidemia; ISOVALERIC ACID CoA DEHYDROGENASE DEFICIENCY; IVD DEFICIENCY. Identifiers: Orphanet 33, MedGen C0268575, MONDO:0009475, OMIM 243500.

Submission:

Labcorp Genetics (formerly Invitae), Labcorp
Classification: Uncertain significance for Isovaleryl-CoA dehydrogenase deficiency. Last evaluated: 2023-01-20. Review status: criteria provided, single submitter. Criteria: Invitae Variant Classification Sherloc (09022015). Collection method: clinical testing. Allele origin: germline.
Comment: In summary, the available evidence is currently insufficient to determine the role of this variant in disease. Therefore, it has been classified as a Variant of Uncertain Significance. Algorithms developed to predict the effect of missense changes on protein structure and function (SIFT, PolyPhen-2, Align-GVGD) all suggest that this variant is likely to be disruptive. ClinVar contains an entry for this variant (Variation ID: 1517833). This missense change has been observed in individual(s) with isovaleric acidemia (Invitae). In at least one individual the data is consistent with being in trans (on the opposite chromosome) from a pathogenic variant. It has also been observed to segregate with disease in related individuals. This variant is not present in population databases (gnomAD no frequency). This sequence change replaces histidine, which is basic and polar, with tyrosine, which is neutral and polar, at codon 310 of the IVD protein (p.His310Tyr).